The following is an entry in ClinVar:

NM_005236.3(ERCC4):c.2176C>T (p.Arg726Cys)

Gene: ERCC4 (ERCC excision repair 4, endonuclease catalytic subunit; plus strand). Cytogenetic location: 16p13.12.
Variant type: single nucleotide variant.
Coding change: c.2176C>T on transcript NM_005236.3 (MANE Select); coding-DNA position 2176, C replaced by T.
Protein change: p.Arg726Cys; replaces arginine 726 with cysteine.
Molecular consequence: missense variant.
Genome position (GRCh38, 1-based): chr16:13,947,772, C>T. VCF-style: chr16-13947772-C-T. GRCh37 (hg19) VCF-style: chr16-14041629-C-T.
Other names: short protein forms R726C.
Identifiers: ClinVar variation 843239 (VCV000843239.9), dbSNP rs777184889, ClinGen allele CA7910694.
Genomic context (GRCh38, chr16:13,947,772, plus strand): 5'-ATTGAACCCGTGACTTTAGAGGTTGGAGATTACATCCTCACTCCAGAAATGTGCGTGGAG[C>T]GCAAGAGTATCAGTGATTTAATCGGCTCTTTAAATAACGGCCGCCTCTACAGCCAGTGCA-3'
Protein context (NP_005227.1, residues 716-736): YILTPEMCVE[Arg726Cys]KSISDLIGSL

ClinVar aggregate classification (germline): Uncertain significance (1 of 4 stars; one submission).

Conditions:
Xeroderma pigmentosum, group F (XPF). Also called: XERODERMA PIGMENTOSUM VI; XP, GROUP F; XERODERMA PIGMENTOSUM, COMPLEMENTATION GROUP F; XERODERMA PIGMENTOSUM, TYPE F; Xeroderma pigmentosum, type 6; ERCC4-Related Xeroderma Pigmentosum. Identifiers: MedGen C0268140, MONDO:0010215, OMIM 278760.
Fanconi anemia complementation group Q. Identifiers: Orphanet 84, MedGen C3808988, MONDO:0014108, OMIM 615272.
Cockayne syndrome. Identifiers: Orphanet 191, MedGen C0009207, MONDO:0016006.

Allele frequency attached by ClinVar (database versions not stated): gnomAD 0.00001; TOPMed 0.00002.

Submission:

Labcorp Genetics (formerly Invitae), Labcorp
Classification: Uncertain significance for Fanconi anemia complementation group Q; Xeroderma pigmentosum, group F; Cockayne syndrome. Last evaluated: 2023-01-19. Review status: criteria provided, single submitter. Criteria: Invitae Variant Classification Sherloc (09022015). Collection method: clinical testing. Allele origin: germline.
Comment: In summary, the available evidence is currently insufficient to determine the role of this variant in disease. Therefore, it has been classified as a Variant of Uncertain Significance. Advanced modeling of protein sequence and biophysical properties (such as structural, functional, and spatial information, amino acid conservation, physicochemical variation, residue mobility, and thermodynamic stability) performed at Invitae indicates that this missense variant is expected to disrupt ERCC4 protein function. ClinVar contains an entry for this variant (Variation ID: 843239). This variant has not been reported in the literature in individuals affected with ERCC4-related conditions. This variant is present in population databases (rs777184889, gnomAD 0.006%). This sequence change replaces arginine, which is basic and polar, with cysteine, which is neutral and slightly polar, at codon 726 of the ERCC4 protein (p.Arg726Cys).